The following is an entry in ClinVar:

ClinVar aggregate classification (germline): Pathogenic/Likely pathogenic. Review status: criteria provided, multiple submitters, no conflicts (2 of 4 stars). 3 submissions from 3 submitters: Pathogenic (2); Likely pathogenic (1). Last evaluated 2021-09-05.

Conditions:
Spastic paraplegia. Identifiers: MedGen C0037772, HP:0001258.
Charlevoix-Saguenay spastic ataxia (SACS). Also called: SPASTIC ATAXIA 6, AUTOSOMAL RECESSIVE; AUTOSOMAL RECESSIVE SPASTIC ATAXIA OF CHARLEVOIX-SAGUENAY; Spastic ataxia of Charlevoix-Saguenay. Identifiers: Orphanet 98, MedGen C1849140, MONDO:0010041, OMIM 270550.

Submissions (3):

Genome-Nilou Lab
Classification: Pathogenic for Charlevoix-Saguenay spastic ataxia. Last evaluated: 2021-09-05. Review status: criteria provided, single submitter. Criteria: ACMG Guidelines, 2015. Collection method: clinical testing. Allele origin: germline. Affected: no.

Athena Diagnostics
Classification: Likely pathogenic. Last evaluated: 2020-01-16. Review status: criteria provided, single submitter. Criteria: Athena Diagnostics Criteria. Collection method: clinical testing. Allele origin: unknown.
Comment: The variant creates a premature nonsense codon, and is therefore predicted to result in the loss of a functional protein. Not found in the total gnomAD dataset, and the data is high quality.

Labcorp Genetics (formerly Invitae), Labcorp
Classification: Pathogenic for Spastic paraplegia. Last evaluated: 2019-12-27. Review status: criteria provided, single submitter. Criteria: Invitae Variant Classification Sherloc (09022015). Collection method: clinical testing. Allele origin: germline.
Comment: This sequence change results in a premature translational stop signal in the SACS gene (p.Gln1810*). While this is not anticipated to result in nonsense mediated decay, it is expected to disrupt the last 2,770 amino acids of the SACS protein. This variant is not present in population databases (ExAC no frequency). For these reasons, this variant has been classified as Pathogenic. This variant disrupts the C-terminus of the SACS protein. Other variant(s) that disrupt this region (p.Gln4054*) have been determined to be pathogenic (PMID: 18465152, 27288452). This suggests that variants that disrupt this region of the protein are likely to be causative of disease. This variant has not been reported in the literature in individuals with SACS-related conditions.

Literature cited by the submitters: PubMed 18465152 (cited by Labcorp Genetics (formerly Invitae), Labcorp); PubMed 27288452 (cited by Labcorp Genetics (formerly Invitae), Labcorp).

NM_014363.6(SACS):c.5428C>T (p.Gln1810Ter)

Gene: SACS (sacsin molecular chaperone; minus strand). Cytogenetic location: 13q12.12.
Variant type: single nucleotide variant.
Coding change: c.5428C>T on transcript NM_014363.6 (MANE Select); coding-DNA position 5428, C replaced by T.
Protein change: p.Gln1810Ter; replaces glutamine 1810 with a stop codon.
Molecular consequence: nonsense.
Genome position (GRCh38, 1-based): chr13:23,338,448, G>A on the plus strand (C>T on the coding strand, the complement: SACS is on the minus strand). VCF-style: chr13-23338448-G-A. GRCh37 (hg19) VCF-style: chr13-23912587-G-A.
Other names: c.4987C>T, p.Gln1663Ter (NM_001278055.2); short protein forms Q1663*, Q1810*.
Identifiers: ClinVar variation 838309 (VCV000838309.12), dbSNP rs1868872666, ClinGen allele CA387525688.
Genomic context (GRCh38, chr13:23,338,448, plus strand): 5'-GAGCCTCTCCTGTGTCCATGCAAGTACACAGAAGCCACGTGGTACACTCTACTGTTTTCT[G>A]TGACAACTCATCTGATGGCTTTTTTGATTGGCCAGACTTAGCCATTTCAAAGAGAGCAGC-3'